The following is an entry in ClinVar:

ClinVar aggregate classification (germline): Uncertain significance (1 of 4 stars; one submission).

Conditions:
Holocarboxylase synthetase deficiency. Also called: MULTIPLE CARBOXYLASE DEFICIENCY, EARLY ONSET. Identifiers: Orphanet 79242, MedGen C0268581, MONDO:0009666, OMIM 253270.

Submission:

Labcorp Genetics (formerly Invitae), Labcorp
Classification: Uncertain significance for Holocarboxylase synthetase deficiency. Last evaluated: 2022-06-13. Review status: criteria provided, single submitter. Criteria: Invitae Variant Classification Sherloc (09022015). Collection method: clinical testing. Allele origin: germline.
Comment: This sequence change replaces glycine, which is neutral and non-polar, with glutamic acid, which is acidic and polar, at codon 509 of the HLCS protein (p.Gly509Glu). This variant is not present in population databases (gnomAD no frequency). This variant has not been reported in the literature in individuals affected with HLCS-related conditions. Advanced modeling of protein sequence and biophysical properties (such as structural, functional, and spatial information, amino acid conservation, physicochemical variation, residue mobility, and thermodynamic stability) performed at Invitae indicates that this missense variant is expected to disrupt HLCS protein function. In summary, the available evidence is currently insufficient to determine the role of this variant in disease. Therefore, it has been classified as a Variant of Uncertain Significance.

NM_001352514.2(HLCS):c.1967G>A (p.Gly656Glu)

Gene: HLCS (holocarboxylase synthetase; minus strand). Cytogenetic location: 21q22.13.
Variant type: single nucleotide variant.
Coding change: c.1967G>A on transcript NM_001352514.2 (MANE Select); coding-DNA position 1967, G replaced by A.
Protein change: p.Gly656Glu; replaces glycine 656 with glutamic acid.
Molecular consequence: missense variant. On other transcripts: non-coding transcript variant (2).
Genome position (GRCh38, 1-based): chr21:36,765,166, C>T on the plus strand (G>A on the coding strand, the complement: HLCS is on the minus strand). VCF-style: chr21-36765166-C-T. GRCh37 (hg19) VCF-style: chr21-38137467-C-T.
Other names: c.1526G>A, p.Gly509Glu (NM_000411.8, NM_001242784.3, NM_001242785.2 and 4 more transcripts); short protein forms G509E, G656E.
Identifiers: ClinVar variation 2049077 (VCV002049077.1), dbSNP rs760481516, ClinGen allele CA409921239.